The following is an entry in ClinVar:

ClinVar aggregate classification (germline): Uncertain significance (1 of 4 stars; one submission).

Conditions:
Charcot-Marie-Tooth disease type 2. Also called: Charcot-Marie-Tooth type 2. Identifiers: Orphanet 64746, MedGen C0270914, MONDO:0018993.

Submission:

Labcorp Genetics (formerly Invitae), Labcorp
Classification: Uncertain significance for Charcot-Marie-Tooth disease type 2. Last evaluated: 2023-02-14. Review status: criteria provided, single submitter. Criteria: Invitae Variant Classification Sherloc (09022015). Collection method: clinical testing. Allele origin: germline.
Comment: This sequence change replaces leucine, which is neutral and non-polar, with arginine, which is basic and polar, at codon 292 of the LMNA protein (p.Leu292Arg). In summary, the available evidence is currently insufficient to determine the role of this variant in disease. Therefore, it has been classified as a Variant of Uncertain Significance. Advanced modeling of protein sequence and biophysical properties (such as structural, functional, and spatial information, amino acid conservation, physicochemical variation, residue mobility, and thermodynamic stability) performed at Invitae indicates that this missense variant is expected to disrupt LMNA protein function. ClinVar contains an entry for this variant (Variation ID: 654974). This variant has not been reported in the literature in individuals affected with LMNA-related conditions. This variant is not present in population databases (gnomAD no frequency).

NM_170707.4(LMNA):c.875T>G (p.Leu292Arg)

Gene: LMNA (lamin A/C; plus strand). Cytogenetic location: 1q22.
Variant type: single nucleotide variant.
Coding change: c.875T>G on transcript NM_170707.4 (MANE Select); coding-DNA position 875, T replaced by G.
Protein change: p.Leu292Arg; replaces leucine 292 with arginine.
Molecular consequence: missense variant.
Genome position (GRCh38, 1-based): chr1:156,135,251, T>G. VCF-style: chr1-156135251-T-G. GRCh37 (hg19) VCF-style: chr1-156105042-T-G.
Other names: c.539T>G, p.Leu180Arg (NM_001257374.3); c.632T>G, p.Leu211Arg (NM_001282624.2); c.875T>G, p.Leu292Arg (NM_001282625.2, NM_001282626.2, NM_005572.4 and 1 more transcripts); short protein forms L180R, L292R, L211R.
Identifiers: ClinVar variation 654974 (VCV000654974.6), dbSNP rs1572361004, ClinGen allele CA342817710.
Genomic context (GRCh38, chr1:156,135,251, plus strand): 5'-ACAATGCCAGGCAGTCTGCTGAGAGGAACAGCAACCTGGTGGGGGCTGCCCACGAGGAGC[T>G]GCAGCAGTCGCGCATCCGCATCGACAGCCTCTCTGCCCAGCTCAGCCAGCTCCAGAAGCA-3'
Protein context (NP_733821.1, residues 282-302): SNLVGAAHEE[Leu292Arg]QQSRIRIDSL